The following is an entry in ClinVar:

NM_005219.5(DIAPH1):c.300G>C (p.Leu100=)

Gene: DIAPH1 (diaphanous related formin 1; minus strand). Cytogenetic location: 5q31.3.
Variant type: single nucleotide variant.
Coding change: c.300G>C on transcript NM_005219.5 (MANE Select); coding-DNA position 300, G replaced by C.
Protein change: p.Leu100=; no amino-acid change (leucine 100 retained).
Molecular consequence: synonymous variant.
Genome position (GRCh38, 1-based): chr5:141,587,042, C>G on the plus strand (G>C on the coding strand, the complement: DIAPH1 is on the minus strand). VCF-style: chr5-141587042-C-G. GRCh37 (hg19) VCF-style: chr5-140966609-C-G.
Other names: c.273G>C, p.Leu91= (NM_001079812.3); c.300G>C, p.Leu100= (NM_001314007.2).
Identifiers: ClinVar variation 863535 (VCV000863535.8), dbSNP rs547319575, ClinGen allele CA3479649.

ClinVar aggregate classification (germline): Uncertain significance (1 of 4 stars; one submission).

Conditions:
Autosomal dominant nonsyndromic hearing loss 1. Also called: KONIGSMARK SYNDROME; DEAFNESS, AUTOSOMAL DOMINANT 1, WITH OR WITHOUT THROMBOCYTOPENIA. Identifiers: Orphanet 90635, MedGen C1852282, MONDO:0007424, OMIM 124900.
Progressive microcephaly-seizures-cortical blindness-developmental delay syndrome. Also called: Seizures, cortical blindness, and microcephaly syndrome. Identifiers: Orphanet 477814, MedGen C5567650, MONDO:0014714, OMIM 616632.

Allele frequency attached by ClinVar (database versions not stated): gnomAD exomes below 0.00001; ExAC 0.00001; gnomAD 0.00001; 1000 Genomes Project 0.00020; 1000 Genomes Project 30x 0.00031.
gnomAD v4.1: 2 of 1,614,062 alleles (0.00012%); highest among the groups gnomAD compares: Admixed American, 0.0017%; no homozygotes.

Submission:

Labcorp Genetics (formerly Invitae), Labcorp
Classification: Uncertain significance for Progressive microcephaly-seizures-cortical blindness-developmental delay syndrome; Autosomal dominant nonsyndromic hearing loss 1. Last evaluated: 2025-12-09. Review status: criteria provided, single submitter. Criteria: Invitae Variant Classification Sherloc (09022015). Collection method: clinical testing. Allele origin: germline.
Comment: This sequence change affects codon 100 of the DIAPH1 mRNA. It is a 'silent' change, meaning that it does not change the encoded amino acid sequence of the DIAPH1 protein. This variant also falls at the last nucleotide of exon 3, which is part of the consensus splice site for this exon. This variant is present in population databases (rs547319575, gnomAD 0.007%). This variant has not been reported in the literature in individuals affected with DIAPH1-related conditions. ClinVar contains an entry for this variant (Variation ID: 863535). Variants that disrupt the consensus splice site are a relatively common cause of aberrant splicing (PMID: 17576681, 9536098). Algorithms developed to predict the effect of sequence changes on RNA splicing suggest that this variant is not likely to affect RNA splicing. In summary, the available evidence is currently insufficient to determine the role of this variant in disease. Therefore, it has been classified as a Variant of Uncertain Significance.

Literature cited by the submitters: PubMed 17576681; PubMed 9536098.